The following is an entry in ClinVar:

ClinVar aggregate classification (germline): Uncertain significance (1 of 4 stars; one submission).

Conditions:
Renal cell carcinoma. Identifiers: Orphanet 217071, MedGen C0007134, MeSH D002292, MONDO:0005086, HP:0005584.

Submission:

Labcorp Genetics (formerly Invitae), Labcorp
Classification: Uncertain significance for Renal cell carcinoma. Last evaluated: 2022-09-09. Review status: criteria provided, single submitter. Criteria: Invitae Variant Classification Sherloc (09022015). Collection method: clinical testing. Allele origin: germline.
Comment: This variant is not present in population databases (gnomAD no frequency). In summary, the available evidence is currently insufficient to determine the role of this variant in disease. Therefore, it has been classified as a Variant of Uncertain Significance. Advanced modeling of protein sequence and biophysical properties (such as structural, functional, and spatial information, amino acid conservation, physicochemical variation, residue mobility, and thermodynamic stability) performed at Invitae indicates that this missense variant is not expected to disrupt MET protein function. This variant has not been reported in the literature in individuals affected with MET-related conditions. This sequence change replaces isoleucine, which is neutral and non-polar, with methionine, which is neutral and non-polar, at codon 953 of the MET protein (p.Ile953Met).

NM_000245.4(MET):c.2805T>G (p.Ile935Met)

Gene: MET (MET proto-oncogene, receptor tyrosine kinase; plus strand). Cytogenetic location: 7q31.2.
Variant type: single nucleotide variant.
Coding change: c.2805T>G on transcript NM_000245.4 (MANE Select); coding-DNA position 2805, T replaced by G.
Protein change: p.Ile935Met; replaces isoleucine 935 with methionine.
Molecular consequence: missense variant.
Genome position (GRCh38, 1-based): chr7:116,771,572, T>G. VCF-style: chr7-116771572-T-G. GRCh37 (hg19) VCF-style: chr7-116411626-T-G.
Other names: c.2859T>G, p.Ile953Met (NM_001127500.3); c.1515T>G, p.Ile505Met (NM_001324402.2); short protein forms I505M, I935M, I953M.
Identifiers: ClinVar variation 1719079 (VCV001719079.5), dbSNP rs763131600, ClinGen allele CA368986543.